The following is an entry in ClinVar:

NM_005359.6(SMAD4):c.*2G>T

Gene: SMAD4 (SMAD family member 4; plus strand). Cytogenetic location: 18q21.2.
Variant type: single nucleotide variant.
Coding change: c.*2G>T on transcript NM_005359.6 (MANE Select); 2 bases downstream of the stop codon, G replaced by T.
Molecular consequence: 3 prime UTR variant. On other transcripts: non-coding transcript variant (1).
Genome position (GRCh38, 1-based): chr18:51,078,469, G>T. VCF-style: chr18-51078469-G-T. GRCh37 (hg19) VCF-style: chr18-48604839-G-T.
Other names: c.*2G>T (NM_001407041.1, NM_001407042.1).
Identifiers: ClinVar variation 3904141 (VCV003904141.2).

ClinVar aggregate classification (germline): Conflicting classifications of pathogenicity. Review status: criteria provided, conflicting classifications (1 of 4 stars). 2 submissions from 2 submitters: Uncertain significance (1); Benign (1). Last evaluated 2025-05-14.

Conditions:
Juvenile polyposis/hereditary hemorrhagic telangiectasia syndrome (JPHT). Also called: JP/HHT SYNDROME; JUVENILE POLYPOSIS WITH HEREDITARY HEMORRHAGIC TELANGIECTASIA; POLYPOSIS, GENERALIZED JUVENILE, WITH PULMONARY ARTERIOVENOUS MALFORMATION; TELANGIECTASIA, HEREDITARY HEMORRHAGIC, WITH JUVENILE POLYPOSIS COLI; Juvenile Polyposis Syndrome / Hereditary Hemorrhagic Telangiectasia (JPS/HHT). Identifiers: Orphanet 2929, MedGen C1832942, MONDO:0008278, OMIM 175050.

Submissions (2):

GeneDx
Classification: Uncertain significance. Last evaluated: 2025-05-14. Review status: criteria provided, single submitter. Criteria: GeneDx Variant Classification Process June 2021. Collection method: clinical testing. Allele origin: germline. Affected: yes.
Comment: Not observed at significant frequency in large population cohorts (gnomAD); Has not been previously published as pathogenic or benign to our knowledge; Located in a regulatory region; in the absence of functional studies, the actual effect of this sequence change is unknown

Myriad Genetics, Inc.
Classification: Benign for Juvenile polyposis/hereditary hemorrhagic telangiectasia syndrome. Last evaluated: 2025-03-24. Review status: criteria provided, single submitter. Criteria: Myriad Autosomal Dominant, Autosomal Recessive and X-Linked Classification Criteria (2023). Collection method: clinical testing. Allele origin: unknown.
Comment: This variant is considered benign. This variant occurs in the non-coding 3' untranslated region of the gene, and is not expected to impact protein function.